The following is an entry in ClinVar:

ClinVar aggregate classification (germline): Uncertain significance. Review status: criteria provided, multiple submitters, no conflicts (2 of 4 stars). 2 submissions from 2 submitters: Uncertain significance (2). Last evaluated 2024-11-05.

Conditions:
Heart defect - tongue hamartoma - polysyndactyly syndrome. Also called: Congenital heart defects, hamartomas of tongue, and polysyndactyly. Identifiers: Orphanet 1338, MedGen C1857587, MONDO:0009008, OMIM 217085.
Bardet-Biedl syndrome 15 (BBS15). Identifiers: Orphanet 110, MedGen C3150127, MONDO:0014443, OMIM 615992.
Bardet-Biedl syndrome (BBS). Identifiers: Orphanet 110, MedGen C0752166, MONDO:0015229.

Allele frequency attached by ClinVar (database versions not stated): ExAC 0.00001; gnomAD 0.00001; gnomAD exomes 0.00002 and 0.00003; TOPMed 0.00002; ESP Exome Variant Server 0.00009.
gnomAD v4.1: 45 of 1,612,414 alleles (0.0028%); highest among the groups gnomAD compares: Non-Finnish European, 0.0035%; no homozygotes.

Submissions (2):

Labcorp Genetics (formerly Invitae), Labcorp
Classification: Uncertain significance for Bardet-Biedl syndrome. Last evaluated: 2024-11-05. Review status: criteria provided, single submitter. Criteria: Invitae Variant Classification Sherloc (09022015). Collection method: clinical testing. Allele origin: germline.
Comment: This sequence change replaces serine, which is neutral and polar, with leucine, which is neutral and non-polar, at codon 103 of the WDPCP protein (p.Ser103Leu). This variant is present in population databases (rs376758858, gnomAD 0.004%). This variant has not been reported in the literature in individuals affected with WDPCP-related conditions. ClinVar contains an entry for this variant (Variation ID: 862982). Invitae Evidence Modeling of protein sequence and biophysical properties (such as structural, functional, and spatial information, amino acid conservation, physicochemical variation, residue mobility, and thermodynamic stability) indicates that this missense variant is not expected to disrupt WDPCP protein function with a negative predictive value of 80%. In summary, the available evidence is currently insufficient to determine the role of this variant in disease. Therefore, it has been classified as a Variant of Uncertain Significance.

Fulgent Genetics
Classification: Uncertain significance for Heart defect - tongue hamartoma - polysyndactyly syndrome; Bardet-Biedl syndrome 15. Last evaluated: 2024-06-10. Review status: criteria provided, single submitter. Criteria: ACMG Guidelines, 2015. Collection method: clinical testing. Allele origin: germline.

NM_015910.7(WDPCP):c.308C>T (p.Ser103Leu)

Gene: WDPCP (WD repeat containing planar cell polarity effector; minus strand). Cytogenetic location: 2p15.
Variant type: single nucleotide variant.
Coding change: c.308C>T on transcript NM_015910.7 (MANE Select); coding-DNA position 308, C replaced by T.
Protein change: p.Ser103Leu; replaces serine 103 with leucine.
Molecular consequence: missense variant. On other transcripts: non-coding transcript variant (2).
Genome position (GRCh38, 1-based): chr2:63,484,933, G>A on the plus strand (C>T on the coding strand, the complement: WDPCP is on the minus strand). VCF-style: chr2-63484933-G-A. GRCh37 (hg19) VCF-style: chr2-63712067-G-A.
Other names: c.236C>T, p.Ser79Leu (NM_001354044.2); c.308C>T, p.Ser103Leu (NM_001354045.2); short protein forms S103L, S79L.
Identifiers: ClinVar variation 862982 (VCV000862982.10), dbSNP rs376758858, ClinGen allele CA1682526.